The following is an entry in ClinVar:

NM_001114753.3(ENG):c.1553_1554del (p.Ser518fs)

Genes: ENG (endoglin; minus strand), LOC102723566 (uncharacterized LOC102723566; plus strand). Cytogenetic location: 9q34.11.
Variant type: Deletion.
Coding change: c.1553_1554del on transcript NM_001114753.3 (MANE Select); coding-DNA positions 1553 to 1554, 2 bases deleted (GC; older notation c.1553_1554delGC).
Protein change: p.Ser518fs; shifts the reading frame from serine 518.
Molecular consequence: frameshift variant.
Genome position (GRCh38, 1-based): chr9:127,818,252-127,818,253, GC deleted on the plus strand (GC on the coding strand, the reverse complement: ENG is on the minus strand). VCF-style (leftmost placement, unchanged base first): chr9-127818251-GGC-G. GRCh37 (hg19) VCF-style: chr9-130580530-GGC-G.
Other names: p.Ser518Thrfs*9; c.1553_1554del (NM_001114753.2); c.1553_1554delGC, p.Ser518Thrfs (NM_000118.4, NM_001114753.2); c.1007_1008del, p.Ser336fs (NM_001278138.2); short protein forms S336fs, S518fs.
Identifiers: ClinVar variation 16670 (VCV000016670.10), dbSNP rs2131875838, ClinGen allele CA913184988.

ClinVar aggregate classification (germline): Pathogenic. Review status: criteria provided, multiple submitters, no conflicts (2 of 4 stars). 3 submissions from 3 submitters: Pathogenic (2). 1 of the submissions does not count toward it. Last evaluated 2025-12-15.

Conditions:
Hereditary hemorrhagic telangiectasia (HHT). Also called: Osler hemorrhagic telangiectasia syndrome; ORW DISEASE; Osler Weber Rendu syndrome; OSLER-RENDU-WEBER DISEASE. Identifiers: Orphanet 774, MedGen C0039445, MONDO:0019180. Disease mechanism: loss of function.
Telangiectasia, hereditary hemorrhagic, type 1 (HHT1). Also called: Osler Weber Rendu syndrome type 1; ENG-Related Hereditary Hemorrhagic Telangiectasia. Identifiers: Orphanet 774, MedGen C4551861, MONDO:0008535, OMIM 187300. Disease mechanism: loss of function.

Allele frequency attached by ClinVar (database versions not stated): gnomAD exomes below 0.00001.

Submissions (3):

Labcorp Genetics (formerly Invitae), Labcorp
Classification: Pathogenic for Hereditary hemorrhagic telangiectasia. Last evaluated: 2025-12-15. Review status: criteria provided, single submitter. Criteria: Invitae Variant Classification Sherloc (09022015). Collection method: clinical testing. Allele origin: germline.
Comment: This sequence change creates a premature translational stop signal (p.Ser518Thrfs*9) in the ENG gene. It is expected to result in an absent or disrupted protein product. Loss-of-function variants in ENG are known to be pathogenic (PMID: 15879500). This variant is not present in population databases (gnomAD no frequency). This premature translational stop signal has been observed in individual(s) with hereditary haemorrhagic telangiectasia (PMID: 7894484). ClinVar contains an entry for this variant (Variation ID: 16670). Algorithms developed to predict the effect of sequence changes on RNA splicing suggest that this variant may create or strengthen a splice site. For these reasons, this variant has been classified as Pathogenic.

Mayo Clinic Laboratories, Mayo Clinic
Classification: Pathogenic. Last evaluated: 2025-07-17. Review status: criteria provided, single submitter. Criteria: ACMG Guidelines, 2015. Collection method: clinical testing. Allele origin: germline. Observed: 2 variant alleles.
Comment: PP1_moderate, PM2_supporting, PS3_supporting, PS4, PVS1

OMIM
Classification: Pathogenic for HEREDITARY HEMORRHAGIC TELANGIECTASIA 1. Last evaluated: 1994-12-01. Review status: no assertion criteria provided. Collection method: literature only. Allele origin: germline. Not counted in ClinVar's aggregate classification.

Literature cited by the submitters: PubMed 15879500 (cited by Labcorp Genetics (formerly Invitae), Labcorp); PubMed 7894484 (cited by 3 submitters); PubMed 10625079 (cited by Mayo Clinic Laboratories, Mayo Clinic); PubMed 10749981 (cited by Mayo Clinic Laboratories, Mayo Clinic); PubMed 11440987 (cited by Mayo Clinic Laboratories, Mayo Clinic); PubMed 12920067 (cited by Mayo Clinic Laboratories, Mayo Clinic); PubMed 14972453 (cited by Mayo Clinic Laboratories, Mayo Clinic); PubMed 15266205 (cited by Mayo Clinic Laboratories, Mayo Clinic); PubMed 20414677 (cited by Mayo Clinic Laboratories, Mayo Clinic); PubMed 23801935 (cited by Mayo Clinic Laboratories, Mayo Clinic); PubMed 8595426 (cited by Mayo Clinic Laboratories, Mayo Clinic).